The following is an entry in ClinVar:

ClinVar aggregate classification (germline): Uncertain significance (1 of 4 stars; one submission).

Conditions:
Retinitis pigmentosa 12 (RP12). Also called: RP WITH OR WITHOUT PPRPE; RP WITH OR WITHOUT PRESERVED PARAARTERIOLE RETINAL PIGMENT EPITHELIUM; RETINITIS PIGMENTOSA WITH OR WITHOUT PARAARTERIOLAR PRESERVATION OF RETINAL PIGMENT EPITHELIUM. Identifiers: Orphanet 791, MedGen C1838647, MONDO:0010818, OMIM 600105.
Leber congenital amaurosis 8 (LCA8). Identifiers: Orphanet 65, MedGen C3151202, MONDO:0013453, OMIM 613835.

Submission:

Labcorp Genetics (formerly Invitae), Labcorp
Classification: Uncertain significance for Leber congenital amaurosis 8; Retinitis pigmentosa 12. Last evaluated: 2022-03-10. Review status: criteria provided, single submitter. Criteria: Invitae Variant Classification Sherloc (09022015). Collection method: clinical testing. Allele origin: germline.
Comment: In summary, the available evidence is currently insufficient to determine the role of this variant in disease. Therefore, it has been classified as a Variant of Uncertain Significance. Advanced modeling of protein sequence and biophysical properties (such as structural, functional, and spatial information, amino acid conservation, physicochemical variation, residue mobility, and thermodynamic stability) performed at Invitae indicates that this missense variant is not expected to disrupt CRB1 protein function. This variant has not been reported in the literature in individuals affected with CRB1-related conditions. This variant is not present in population databases (gnomAD no frequency). This sequence change replaces histidine, which is basic and polar, with arginine, which is basic and polar, at codon 1162 of the CRB1 protein (p.His1162Arg).

NM_201253.3(CRB1):c.3485A>G (p.His1162Arg)

Gene: CRB1 (crumbs cell polarity complex component 1; plus strand). Cytogenetic location: 1q31.3.
Variant type: single nucleotide variant.
Coding change: c.3485A>G on transcript NM_201253.3 (MANE Select); coding-DNA position 3485, A replaced by G.
Protein change: p.His1162Arg; replaces histidine 1162 with arginine.
Molecular consequence: missense variant. On other transcripts: non-coding transcript variant (2), intron variant (1).
Genome position (GRCh38, 1-based): chr1:197,435,348, A>G. VCF-style: chr1-197435348-A-G. GRCh37 (hg19) VCF-style: chr1-197404478-A-G.
Other names: c.3149A>G, p.His1050Arg (NM_001193640.2); c.3413A>G, p.His1138Arg (NM_001257965.2); c.2129-252A>G (NM_001257966.2); short protein forms H1138R, H1162R, H1050R.
Identifiers: ClinVar variation 1362271 (VCV001362271.8), dbSNP rs2125500617, ClinGen allele CA344048322.